The following is an entry in ClinVar:

NM_020401.4(NUP107):c.2340A>C (p.Pro780=)

Gene: NUP107 (nucleoporin 107; plus strand). Cytogenetic location: 12q15.
Variant type: single nucleotide variant.
Coding change: c.2340A>C on transcript NM_020401.4 (MANE Select); coding-DNA position 2340, A replaced by C.
Protein change: p.Pro780=; no amino-acid change (proline 780 retained).
Molecular consequence: synonymous variant.
Genome position (GRCh38, 1-based): chr12:68,734,785, A>C. VCF-style: chr12-68734785-A-C. GRCh37 (hg19) VCF-style: chr12-69128565-A-C.
Other names: c.2253A>C, p.Pro751= (NM_001330192.2).
Identifiers: ClinVar variation 3049669 (VCV003049669.2), dbSNP rs138677880, ClinGen allele CA6678109.

ClinVar aggregate classification (germline): Likely benign (0 of 4 stars; one submission).

Conditions:
NUP107-related disorder. Also called: NUP107-related condition.

Allele frequency attached by ClinVar (database versions not stated): ExAC 0.00003; TOPMed 0.00004; gnomAD 0.00005; gnomAD exomes 0.00005; ESP Exome Variant Server 0.00008.
gnomAD v4.1: 84 of 1,613,646 alleles (0.0052%); highest among the groups gnomAD compares: Non-Finnish European, 0.0066%; no homozygotes.

Submission:

PreventionGenetics, part of Exact Sciences
Classification: Likely benign for NUP107-related condition. Last evaluated: 2019-07-15. Review status: no assertion criteria provided. Collection method: clinical testing. Allele origin: germline.
Comment: This variant is classified as likely benign based on ACMG/AMP sequence variant interpretation guidelines (Richards et al. 2015 PMID: 25741868, with internal and published modifications).